The following is an entry in ClinVar:

ClinVar aggregate classification (germline): Uncertain significance. Review status: criteria provided, multiple submitters, no conflicts (2 of 4 stars). 4 submissions from 4 submitters: Uncertain significance (4). Last evaluated 2024-10-28.

Conditions:
Autosomal recessive ataxia, Beauce type. Also called: Spinocerebellar ataxia, autosomal recessive 8; ATAXIA, RECESSIVE, OF BEAUCE; SYNE1 Deficiency; SYNE1-Related Autosomal Recessive Cerebellar Ataxia. Identifiers: Orphanet 88644, MedGen C1853116, MONDO:0012549, OMIM 610743.
Emery-Dreifuss muscular dystrophy 4, autosomal dominant (EDMD4). Also called: EMERY-DREIFUSS MUSCULAR DYSTROPHY 4 WITH VARIABLE FEATURES. Identifiers: Orphanet 261, MedGen C2751807, MONDO:0013071, OMIM 612998.
Limb-girdle muscular dystrophy (LGMD). Also called: Muscular Dystrophies, Limb-Girdle. Identifiers: Orphanet 263, MedGen C0686353, MeSH D049288, MONDO:0016971, HP:0006785.

Allele frequency attached by ClinVar (database versions not stated): gnomAD 0.00003; gnomAD exomes 0.00003 and 0.00007; TOPMed 0.00003; ESP Exome Variant Server 0.00008; ExAC 0.00009; 1000 Genomes Project 30x 0.00016; 1000 Genomes Project 0.00020.
gnomAD v4.1: 55 of 1,614,062 alleles (0.0034%); highest among the groups gnomAD compares: South Asian, 0.04%; no homozygotes.

Submissions (4):

Revvity Omics, Revvity
Classification: Uncertain significance. Last evaluated: 2024-10-28. Review status: criteria provided, single submitter. Criteria: ACMG Guidelines, 2015. Collection method: clinical testing. Allele origin: germline.

Labcorp Genetics (formerly Invitae), Labcorp
Classification: Uncertain significance for Emery-Dreifuss muscular dystrophy 4, autosomal dominant; Autosomal recessive ataxia, Beauce type. Last evaluated: 2022-06-21. Review status: criteria provided, single submitter. Criteria: Invitae Variant Classification Sherloc (09022015). Collection method: clinical testing. Allele origin: germline.
Comment: In summary, the available evidence is currently insufficient to determine the role of this variant in disease. Therefore, it has been classified as a Variant of Uncertain Significance. Algorithms developed to predict the effect of missense changes on protein structure and function (SIFT, PolyPhen-2, Align-GVGD) all suggest that this variant is likely to be disruptive. ClinVar contains an entry for this variant (Variation ID: 290220). This variant has not been reported in the literature in individuals affected with SYNE1-related conditions. This variant is present in population databases (rs139384691, gnomAD 0.04%). This sequence change replaces arginine, which is basic and polar, with histidine, which is basic and polar, at codon 6657 of the SYNE1 protein (p.Arg6657His).

Cambridge Genomics Laboratory, East Genomic Laboratory Hub, NHS Genomic Medicine Service
Classification: Uncertain significance for Limb-girdle muscular dystrophy. Last evaluated: 2020-04-29. Review status: criteria provided, single submitter. Criteria: ACGS Best Practice Guidelines for Variant Classification in Rare Disease 2020. Collection method: clinical testing. Allele origin: germline. Affected: yes. Observed: 1 variant allele.

Eurofins Ntd Llc (ga)
Classification: Uncertain significance. Last evaluated: 2016-08-08. Review status: criteria provided, single submitter. Criteria: EGL Classification Definitions 2015. Collection method: clinical testing. Allele origin: germline. Observed: 1 variant allele, 1 heterozygote.

NM_182961.4(SYNE1):c.20183G>A (p.Arg6728His)

Gene: SYNE1 (spectrin repeat containing nuclear envelope protein 1; minus strand). Cytogenetic location: 6q25.2.
Variant type: single nucleotide variant.
Coding change: c.20183G>A on transcript NM_182961.4 (MANE Select); coding-DNA position 20183, G replaced by A.
Protein change: p.Arg6728His; replaces arginine 6728 with histidine.
Molecular consequence: missense variant.
Genome position (GRCh38, 1-based): chr6:152,236,833, C>T on the plus strand (G>A on the coding strand, the complement: SYNE1 is on the minus strand). VCF-style: chr6-152236833-C-T. GRCh37 (hg19) VCF-style: chr6-152557968-C-T.
Other names: c.19970G>A, p.Arg6657His (NM_033071.5); short protein forms R6657H, R6728H.
Identifiers: ClinVar variation 290220 (VCV000290220.12), dbSNP rs139384691, ClinGen allele CA4054478.